The following is an entry in ClinVar:

ClinVar aggregate classification (germline): Uncertain significance (1 of 4 stars; one submission).

Conditions:
Xanthinuria type II. Also called: Xanthine dehydrogenase and aldehyde oxidase combined deficiency of; XDH and AOX dual deficiency. Identifiers: Orphanet 3467, Orphanet 93602, MedGen C1863688, MONDO:0011346, OMIM 603592.

Allele frequency attached by ClinVar (database versions not stated): TOPMed 0.00001.

Submission:

Labcorp Genetics (formerly Invitae), Labcorp
Classification: Uncertain significance for Xanthinuria type II. Last evaluated: 2022-06-22. Review status: criteria provided, single submitter. Criteria: Invitae Variant Classification Sherloc (09022015). Collection method: clinical testing. Allele origin: germline.
Comment: In summary, the available evidence is currently insufficient to determine the role of this variant in disease. Therefore, it has been classified as a Variant of Uncertain Significance. Algorithms developed to predict the effect of missense changes on protein structure and function (SIFT, PolyPhen-2, Align-GVGD) all suggest that this variant is likely to be disruptive. This variant has not been reported in the literature in individuals affected with XDH-related conditions. This variant is not present in population databases (gnomAD no frequency). This sequence change replaces tyrosine, which is neutral and polar, with cysteine, which is neutral and slightly polar, at codon 58 of the XDH protein (p.Tyr58Cys).

NM_000379.4(XDH):c.173A>G (p.Tyr58Cys)

Gene: XDH (xanthine dehydrogenase; minus strand). Cytogenetic location: 2p23.1.
Variant type: single nucleotide variant.
Coding change: c.173A>G on transcript NM_000379.4 (MANE Select); coding-DNA position 173, A replaced by G.
Protein change: p.Tyr58Cys; replaces tyrosine 58 with cysteine.
Molecular consequence: missense variant.
Genome position (GRCh38, 1-based): chr2:31,403,072, T>C on the plus strand (A>G on the coding strand, the complement: XDH is on the minus strand). VCF-style: chr2-31403072-T-C. GRCh37 (hg19) VCF-style: chr2-31625938-T-C.
Other names: short protein forms Y58C.
Identifiers: ClinVar variation 2108119 (VCV002108119.4), dbSNP rs1687103589, ClinGen allele CA346501841.